The following is an entry in ClinVar:

ClinVar aggregate classification (germline): Pathogenic. Review status: criteria provided, multiple submitters, no conflicts (2 of 4 stars). 4 submissions from 4 submitters: Pathogenic (4). Last evaluated 2026-09-25.

Conditions:
Recessive dystrophic epidermolysis bullosa (RDEB). Also called: DYSTROPHIC EPIDERMOLYSIS BULLOSA, AUTOSOMAL RECESSIVE; EPIDERMOLYSIS BULLOSA DYSTROPHICA, HALLOPEAU-SIEMENS TYPE; EPIDERMOLYSIS BULLOSA DYSTROPHICA, GENERALIZED SEVERE, AUTOSOMAL RECESSIVE; Epidermolysis Bullosa Distrophica Autosomal Recessive (RDEB); epidermolysis bullosa dystrophica, autosomal recessive; Recessive DEB (RDEB). Identifiers: Orphanet 79408, Orphanet 79409, MedGen C0079474, MONDO:0009179, OMIM 226600.
COL7A1-related disorder. Also called: COL7A1- related disorders; COL7A1-related condition.

Allele frequency attached by ClinVar (database versions not stated): gnomAD exomes below 0.00001.

Submissions (4):

PreventionGenetics, part of Exact Sciences
Classification: Pathogenic for COL7A1-related condition. Last evaluated: 2026-09-25. Review status: criteria provided, single submitter. Criteria: ACMG Guidelines, 2015. Collection method: clinical testing. Allele origin: germline.
Comment: The COL7A1 c.2527C>T variant is predicted to result in premature protein termination (p.Arg843*). This variant was reported along with a second pathogenic COL7A1 variant in an individual with autosomal recessive dystrophic epidermolysis bullosa (Patient 35 in Kern et al. 2006. PubMed ID: 16484981). This variant has not been reported in a large population database (gnomAD), indicating this variant is rare. Nonsense variants in COL7A1 are expected to be pathogenic. This variant is interpreted as pathogenic.

Labcorp Genetics (formerly Invitae), Labcorp
Classification: Pathogenic. Last evaluated: 2025-12-27. Review status: criteria provided, single submitter. Criteria: Invitae Variant Classification Sherloc (09022015). Collection method: clinical testing. Allele origin: germline.
Comment: This sequence change creates a premature translational stop signal (p.Arg843*) in the COL7A1 gene. It is expected to result in an absent or disrupted protein product. Loss-of-function variants in COL7A1 are known to be pathogenic (PMID: 16971478). This variant is not present in population databases (gnomAD no frequency). This premature translational stop signal has been observed in individual(s) with autosomal recessive epidermolysis bullosa dystrophica (PMID: 16484981). ClinVar contains an entry for this variant (Variation ID: 1075254). Algorithms developed to predict the effect of sequence changes on RNA splicing suggest that this variant may create or strengthen a splice site. For these reasons, this variant has been classified as Pathogenic.

Myriad Genetics, Inc.
Classification: Pathogenic for Recessive dystrophic epidermolysis bullosa. Last evaluated: 2024-11-11. Review status: criteria provided, single submitter. Criteria: Myriad Autosomal Dominant, Autosomal Recessive and X-Linked Classification Criteria (2023). Collection method: clinical testing. Allele origin: unknown.
Comment: NM_000094.3(COL7A1):c.2527C>T(R843*) is expected to be pathogenic in the context of dystrophic epidermolysis bullosa. This variant is predicted to lead to an abnormal or absent protein product due to the creation of a premature termination codon in COL7A1, a gene where loss-of-function variants are known to be pathogenic. Please note: this variant was assessed in the context of healthy population screening.

Blueprint Genetics
Classification: Pathogenic for COL7A1-related disorders. Last evaluated: 2022-03-23. Review status: criteria provided, single submitter. Criteria: ACMG Guidelines, 2015. Collection method: clinical testing. Allele origin: germline. Affected: yes. Observed: 3 variant alleles.

Literature cited by the submitters: PubMed 16971478 (cited by Labcorp Genetics (formerly Invitae), Labcorp); PubMed 16484981 (cited by Labcorp Genetics (formerly Invitae), Labcorp).

NM_000094.4(COL7A1):c.2527C>T (p.Arg843Ter)

Gene: COL7A1 (collagen type VII alpha 1 chain; minus strand). Cytogenetic location: 3p21.31.
Variant type: single nucleotide variant.
Coding change: c.2527C>T on transcript NM_000094.4 (MANE Select); coding-DNA position 2527, C replaced by T.
Protein change: p.Arg843Ter; replaces arginine 843 with a stop codon.
Molecular consequence: nonsense.
Genome position (GRCh38, 1-based): chr3:48,588,702, G>A on the plus strand (C>T on the coding strand, the complement: COL7A1 is on the minus strand). VCF-style: chr3-48588702-G-A. GRCh37 (hg19) VCF-style: chr3-48626135-G-A.
Other names: c.2527C>T (NM_000094.3); short protein forms R843*.
Identifiers: ClinVar variation 1075254 (VCV001075254.8), dbSNP rs1278021176, ClinGen allele CA352719068.